The following is an entry in ClinVar:

ClinVar aggregate classification (germline): Pathogenic (1 of 4 stars; one submission).

Conditions:
Developmental and epileptic encephalopathy, 18 (DEE18). Also called: Early infantile epileptic encephalopathy 18. Identifiers: Orphanet 369894, MedGen C3809624, MONDO:0014201, OMIM 615476.

Submission:

Department of Molecular Genetics, Istishari Arab Hospital
Classification: Pathogenic for Developmental and epileptic encephalopathy, 18. Last evaluated: 2025-12-10. Review status: criteria provided, single submitter. Criteria: ACMG Guidelines, 2015. Collection method: clinical testing. Allele origin: germline. Inheritance: Autosomal recessive inheritance. Affected: yes.
Comment: cDNA sequencing of exons 36-42 of the SZT2 gene revealed skipping of exon 38. This aberrant transcript demonstrates a splicing defect and confirms the pathogenicity of the identified SZT2 c.5530G>A variant

NM_001365999.1(SZT2):c.5530G>A (p.Gly1844Arg)

Gene: SZT2 (SZT2 subunit of KICSTOR complex; plus strand). Cytogenetic location: 1p34.2.
Variant type: single nucleotide variant.
Coding change: c.5530G>A on transcript NM_001365999.1 (MANE Select); coding-DNA position 5530, G replaced by A.
Protein change: p.Gly1844Arg; replaces glycine 1844 with arginine.
Molecular consequence: missense variant.
Genome position (GRCh38, 1-based): chr1:43,432,604, G>A. VCF-style: chr1-43432604-G-A. GRCh37 (hg19) VCF-style: chr1-43898275-G-A.
Other names: p.Gly1844Arg; c.5359G>A, p.Gly1787Arg (NM_015284.4); short protein forms G1787R, G1844R.
Identifiers: ClinVar variation 4536627 (VCV004536627.1).